The following is an entry in ClinVar:

NM_002047.4(GARS1):c.1960A>G (p.Ile654Val)

Gene: GARS1 (glycyl-tRNA synthetase 1; plus strand). Cytogenetic location: 7p14.3.
Variant type: single nucleotide variant.
Coding change: c.1960A>G on transcript NM_002047.4 (MANE Select); coding-DNA position 1960, A replaced by G.
Protein change: p.Ile654Val; replaces isoleucine 654 with valine.
Molecular consequence: missense variant.
Genome position (GRCh38, 1-based): chr7:30,632,303, A>G. VCF-style: chr7-30632303-A-G. GRCh37 (hg19) VCF-style: chr7-30671919-A-G.
Other names: c.1798A>G, p.Ile600Val (NM_001316772.1); c.1960A>G (NM_002047.2); short protein forms I600V, I654V.
Identifiers: ClinVar variation 1680958 (VCV001680958.8), dbSNP rs1406586832, ClinGen allele CA367130488.

ClinVar aggregate classification (germline): Uncertain significance. Review status: criteria provided, multiple submitters, no conflicts (2 of 4 stars). 3 submissions from 3 submitters: Uncertain significance (3). Last evaluated 2025-08-01.

Conditions:
Charcot-Marie-Tooth disease type 2. Also called: Charcot-Marie-Tooth type 2. Identifiers: Orphanet 64746, MedGen C0270914, MONDO:0018993.

Allele frequency attached by ClinVar (database versions not stated): gnomAD exomes below 0.00001 and 0.00001; TOPMed 0.00002; gnomAD 0.00001.
gnomAD v4.1: 12 of 1,614,076 alleles (0.00074%); highest among the groups gnomAD compares: South Asian, 0.0011%; no homozygotes.

Submissions (3):

Ambry Genetics
Classification: Uncertain significance. Last evaluated: 2025-08-01. Review status: criteria provided, single submitter. Criteria: Ambry Variant Classification Scheme 2023. Collection method: clinical testing. Allele origin: germline.

Women's Health and Genetics/Laboratory Corporation of America, LabCorp
Classification: Uncertain significance. Last evaluated: 2024-05-06. Review status: criteria provided, single submitter. Criteria: LabCorp Variant Classification Summary - May 2015. Collection method: clinical testing. Allele origin: germline.
Comment: Variant summary: GARS1 c.1960A>G (p.Ile654Val) results in a conservative amino acid change located in the Anticodon-binding domain (IPR004154) of the encoded protein sequence. Three of five in-silico tools predict a damaging effect of the variant on protein function. The variant allele was found at a frequency of 7.1e-06 in 280912 control chromosomes. The available data on variant occurrences in the general population are insufficient to allow any conclusion about variant significance. To our knowledge, no occurrence of c.1960A>G in individuals affected with GARS1-Related Disorders and no experimental evidence demonstrating its impact on protein function have been reported. ClinVar contains an entry for this variant (Variation ID: 1680958). Based on the evidence outlined above, the variant was classified as uncertain significance.

Labcorp Genetics (formerly Invitae), Labcorp
Classification: Uncertain significance for Charcot-Marie-Tooth disease type 2. Last evaluated: 2023-11-30. Review status: criteria provided, single submitter. Criteria: Invitae Variant Classification Sherloc (09022015). Collection method: clinical testing. Allele origin: germline.
Comment: This sequence change replaces isoleucine, which is neutral and non-polar, with valine, which is neutral and non-polar, at codon 654 of the GARS protein (p.Ile654Val). This variant is present in population databases (no rsID available, gnomAD 0.002%). This variant has not been reported in the literature in individuals affected with GARS-related conditions. ClinVar contains an entry for this variant (Variation ID: 1680958). Advanced modeling of protein sequence and biophysical properties (such as structural, functional, and spatial information, amino acid conservation, physicochemical variation, residue mobility, and thermodynamic stability) performed at Invitae indicates that this missense variant is not expected to disrupt GARS protein function with a negative predictive value of 95%. In summary, the available evidence is currently insufficient to determine the role of this variant in disease. Therefore, it has been classified as a Variant of Uncertain Significance.